The following is an entry in ClinVar:

ClinVar aggregate classification (germline): Uncertain significance (1 of 4 stars; one submission).

Conditions:
Hyperinsulinism-hyperammonemia syndrome (HHF6). Identifiers: Orphanet 35878, MedGen C1847555, MONDO:0011717, OMIM 606762.

gnomAD v4.1: 5 of 1,597,822 alleles (0.00031%); highest among the groups gnomAD compares: South Asian, 0.0033%; no homozygotes.

Submission:

Labcorp Genetics (formerly Invitae), Labcorp
Classification: Uncertain significance for Hyperinsulinism-hyperammonemia syndrome. Last evaluated: 2018-01-13. Review status: criteria provided, single submitter. Criteria: Invitae Variant Classification Sherloc (09022015). Collection method: clinical testing. Allele origin: germline.
Comment: In summary, the available evidence is currently insufficient to determine the role of this variant in disease. Therefore, it has been classified as a Variant of Uncertain Significance. Algorithms developed to predict the effect of missense changes on protein structure and function (SIFT, PolyPhen-2, Align-GVGD) all suggest that this variant is likely to be tolerated, but these predictions have not been confirmed by published functional studies and their clinical significance is uncertain. This variant has not been reported in the literature in individuals with GLUD1-related disease. This variant is not present in population databases (ExAC no frequency). This sequence change replaces histidine with leucine at codon 481 of the GLUD1 protein (p.His481Leu). The histidine residue is moderately conserved and there is a moderate physicochemical difference between histidine and leucine.

NM_005271.5(GLUD1):c.1442A>T (p.His481Leu)

Gene: GLUD1 (glutamate dehydrogenase 1; minus strand). Cytogenetic location: 10q23.2.
Variant type: single nucleotide variant.
Coding change: c.1442A>T on transcript NM_005271.5 (MANE Select); coding-DNA position 1442, A replaced by T.
Protein change: p.His481Leu; replaces histidine 481 with leucine.
Molecular consequence: missense variant.
Genome position (GRCh38, 1-based): chr10:87,057,743, T>A on the plus strand (A>T on the coding strand, the complement: GLUD1 is on the minus strand). VCF-style: chr10-87057743-T-A. GRCh37 (hg19) VCF-style: chr10-88817500-T-A.
Other names: c.1043A>T, p.His348Leu (NM_001318900.1); c.941A>T, p.His314Leu (NM_001318901.1, NM_001318902.1, NM_001318904.2 and 2 more transcripts); short protein forms H481L, H314L, H348L.
Identifiers: ClinVar variation 533800 (VCV000533800.7), dbSNP rs1169592069, ClinGen allele CA377465155.
Genomic context (GRCh38, chr10:87,057,743, plus strand): 5'-ACACTCACCGATATCCTGTCTTGGAACTCTGCCGTGGGTACAATGGGAATAGTTCCACCA[T>A]GCTTTCCAAATTTTCTTTCTAAACTCTCTTGAACAGACACTACAAAAAAATAACAAGAGA-3'
Protein context (NP_005262.1, residues 471-491): QESLERKFGK[His481Leu]GGTIPIVPTA